The following is an entry in ClinVar:

ClinVar aggregate classification (germline): Uncertain significance (1 of 4 stars; one submission).

Conditions:
Werner syndrome (WRN). Identifiers: Orphanet 902, MedGen C0043119, MONDO:0010196, OMIM 277700.

Allele frequency attached by ClinVar (database versions not stated): gnomAD exomes below 0.00001; ExAC 0.00001.
gnomAD v4.1: 1 of 1,613,998 alleles (0.000062%); highest among the groups gnomAD compares: South Asian, 0.0011%; no homozygotes.

Submission:

Labcorp Genetics (formerly Invitae), Labcorp
Classification: Uncertain significance for Werner syndrome. Last evaluated: 2021-05-08. Review status: criteria provided, single submitter. Criteria: Invitae Variant Classification Sherloc (09022015). Collection method: clinical testing. Allele origin: germline.
Comment: In summary, the available evidence is currently insufficient to determine the role of this variant in disease. Therefore, it has been classified as a Variant of Uncertain Significance. Algorithms developed to predict the effect of missense changes on protein structure and function output the following: SIFT: "Not Available"; PolyPhen-2: "Benign"; Align-GVGD: "Not Available". The alanine amino acid residue is found in multiple mammalian species, suggesting that this missense change does not adversely affect protein function. These predictions have not been confirmed by published functional studies and their clinical significance is uncertain. This variant has not been reported in the literature in individuals with WRN-related conditions. This variant is present in population databases (rs756597086, ExAC 0.006%). This sequence change replaces threonine with alanine at codon 767 of the WRN protein (p.Thr767Ala). The threonine residue is highly conserved and there is a small physicochemical difference between threonine and alanine.

NM_000553.6(WRN):c.2299A>G (p.Thr767Ala)

Gene: WRN (WRN RecQ like helicase; plus strand). Cytogenetic location: 8p12.
Variant type: single nucleotide variant.
Coding change: c.2299A>G on transcript NM_000553.6 (MANE Select); coding-DNA position 2299, A replaced by G.
Protein change: p.Thr767Ala; replaces threonine 767 with alanine.
Molecular consequence: missense variant.
Genome position (GRCh38, 1-based): chr8:31,116,379, A>G. VCF-style: chr8-31116379-A-G. GRCh37 (hg19) VCF-style: chr8-30973895-A-G.
Other names: short protein forms T767A.
Identifiers: ClinVar variation 1512091 (VCV001512091.6), dbSNP rs756597086, ClinGen allele CA4704713.
Genomic context (GRCh38, chr8:31,116,379, plus strand): 5'-TATATGTTTGCTCTTTTGTTCTTCTTTTTCTTTAGTTCCCACTGGGAATTTGAAGGTCCA[A>G]CAATCATCTACTGTCCTTCTAGAAAAATGACACAACAAGTTACAGGTGAACTTAGGAAAC-3'
Protein context (NP_000544.2, residues 757-777): TSSHWEFEGP[Thr767Ala]IIYCPSRKMT